The following continues an entry in ClinVar:

NM_024675.4(PALB2):c.1317del (p.Phe440fs)

Gene: PALB2. ClinVar aggregate classification (germline): Pathogenic/Likely pathogenic. Pathogenic (13); Likely pathogenic (2).

Submissions 13 to 18 of 18:

Women's Health and Genetics/Laboratory Corporation of America, LabCorp
Classification: Pathogenic for Hereditary breast ovarian cancer syndrome. Last evaluated: 2021-04-01. Review status: criteria provided, single submitter. Criteria: LabCorp Variant Classification Summary - May 2015. Collection method: clinical testing. Allele origin: germline.
Comment: Variant summary: PALB2 c.1317delG (p.Phe440LeufsX12) results in a premature termination codon, predicted to cause a truncation of the encoded protein or absence of the protein due to nonsense mediated decay, which are commonly known mechanisms for disease. Truncations downstream of this position have been classified as pathogenic by our laboratory. The variant allele was found at a frequency of 4e-06 in 249846 control chromosomes. c.1317delG has been reported in the literature in several individuals and in at least one family affected with Hereditary Breast and Ovarian Cancer (e.g. Balia 2010, Tung 2015, Sokolenko 2015, Susswein 2015, Sun 2017). These data indicate that the variant is very likely to be associated with disease. One study noted that the there was a differential expression of the WT and the mutated mRNA, presumably due to nonsense mediated decay (NMD), though no experimental data was provided (Balia 2010). Seven clinical diagnostic laboratories and one database (LOVD) have submitted clinical-significance assessments for this variant to ClinVar after 2014 without evidence for independent evaluation. All laboratories classified the variant as pathogenic. Some submitters cite overlapping evidence utilized in the context of this evaluation. Based on the evidence outlined above, the variant was classified as pathogenic.

Department of Molecular Diagnostics, Institute of Oncology Ljubljana
Classification: Pathogenic for Familial cancer of breast. Last evaluated: 2020-04-02. Review status: criteria provided, single submitter. Criteria: ACMG Guidelines, 2015. Collection method: clinical testing. Allele origin: germline. Affected: yes.

Juno Genomics, Hangzhou Juno Genomics, Inc
Classification: Likely pathogenic for Breast-ovarian cancer, familial, susceptibility to, 5. Review status: criteria provided, single submitter. Criteria: ACMG Guidelines, 2015. Collection method: clinical testing. Allele origin: germline.
Comment: Null variant in a gene where loss of function (LOF) is a known mechanism of disease.;Novel missense change at an amino acid residue where a different missense change determined to be pathogenic has been seen before.

BRCAlab, Lund University
Classification: Pathogenic for Hereditary breast ovarian cancer syndrome. Last evaluated: 2022-08-26. Review status: no assertion criteria provided. Collection method: clinical testing. Allele origin: germline. Affected: yes. Not counted in ClinVar's aggregate classification.

Leiden Open Variation Database
Classification: Pathogenic for Familial cancer of breast. Last evaluated: 2019-05-13. Review status: no assertion criteria provided. Collection method: curation. Allele origin: germline. Affected: yes. Not counted in ClinVar's aggregate classification.
Comment: Curators: Marc Tischkowitz, Arleen D. Auerbach. Submitter to LOVD: Marc Tischkowitz.

Counsyl
Classification: Pathogenic for Familial cancer of breast. Last evaluated: 2016-08-18. Review status: no assertion criteria provided. Collection method: clinical testing. Allele origin: unknown. Not counted in ClinVar's aggregate classification.

Literature cited by the submitters: PubMed 17200668 (cited by Labcorp Genetics (formerly Invitae), Labcorp and Sema4); PubMed 17200671 (cited by Labcorp Genetics (formerly Invitae), Labcorp); PubMed 17200672 (cited by Labcorp Genetics (formerly Invitae), Labcorp); PubMed 24136930 (cited by Labcorp Genetics (formerly Invitae), Labcorp); PubMed 25099575 (cited by Labcorp Genetics (formerly Invitae), Labcorp and Mayo Clinic Laboratories, Mayo Clinic); PubMed 20852946 (cited by 10 submitters); PubMed 25186627 (cited by 9 submitters); PubMed 25619955 (cited by 6 submitters); PubMed 26681312 (cited by 6 submitters); PubMed 28724667 (cited by 6 submitters); PubMed 31768816 (cited by Color Diagnostics, LLC DBA Color Health); PubMed 33471991 (cited by Color Diagnostics, LLC DBA Color Health and Sema4); PubMed 21165770 (cited by Quest Diagnostics Nichols Institute San Juan Capistrano); PubMed 32339256 (cited by 3 submitters); PubMed 32546565 (cited by Quest Diagnostics Nichols Institute San Juan Capistrano and Mayo Clinic Laboratories, Mayo Clinic); PubMed 32997802 (cited by 3 submitters); PubMed 29922827 (cited by Quest Diagnostics Nichols Institute San Juan Capistrano); PubMed 28779002 (cited by 3 submitters); PubMed 31263054 (cited by Sema4); PubMed 24763289 (cited by Women's Health and Genetics/Laboratory Corporation of America, LabCorp and Counsyl).